The following is an entry in ClinVar:

NM_000170.3(GLDC):c.1299del (p.Phe434fs)

Gene: GLDC (glycine decarboxylase; minus strand). Cytogenetic location: 9p24.1.
Variant type: Deletion.
Coding change: c.1299del on transcript NM_000170.3 (MANE Select); coding-DNA position 1299, one base deleted (G; older notation c.1299delG).
Protein change: p.Phe434fs; shifts the reading frame from phenylalanine 434.
Molecular consequence: frameshift variant.
Genome position (GRCh38, 1-based): chr9:6,592,953, C deleted on the plus strand (G on the coding strand, the reverse complement: GLDC is on the minus strand). VCF-style (leftmost placement, unchanged base first): chr9-6592952-AC-A. GRCh37 (hg19) VCF-style: chr9-6592952-AC-A.
Other names: short protein forms F434fs.
Identifiers: ClinVar variation 1724487 (VCV001724487.2), dbSNP rs2489085288, ClinGen allele CA2580080255.

ClinVar aggregate classification (germline): Likely pathogenic (1 of 4 stars; one submission).

Conditions:
Glycine encephalopathy. Also called: Non-ketotic hyperglycinemia; Nonketotic hyperglycinemia. Identifiers: Orphanet 407, MedGen C0751748, MONDO:0011612, HP:0008288.

Submission:

Myriad Genetics, Inc.
Classification: Likely pathogenic for Glycine encephalopathy 1. Last evaluated: 2022-02-17. Review status: criteria provided, single submitter. Criteria: Myriad Women's Health Autosomal Recessive and X-Linked Classification Criteria (2021). Collection method: clinical testing. Allele origin: unknown.
Comment: NM_000170.2(GLDC):c.1299delG(F434Sfs*5) is expected to be pathogenic in the context of glycine encephalopathy, GLDC-related. This variant is predicted to lead to an abnormal or absent protein product due to the creation of a premature termination codon in GLDC, a gene where loss-of-function variants are known to be pathogenic. Please note: this variant was assessed in the context of healthy population screening.